The following is an entry in ClinVar:

NM_006904.7(PRKDC):c.11042A>G (p.Lys3681Arg)

Gene: PRKDC (protein kinase, DNA-activated, catalytic subunit; minus strand). Cytogenetic location: 8q11.21.
Variant type: single nucleotide variant.
Coding change: c.11042A>G on transcript NM_006904.7 (MANE Select); coding-DNA position 11042, A replaced by G.
Protein change: p.Lys3681Arg; replaces lysine 3681 with arginine.
Molecular consequence: missense variant.
Genome position (GRCh38, 1-based): chr8:47,785,178, T>C on the plus strand (A>G on the coding strand, the complement: PRKDC is on the minus strand). VCF-style: chr8-47785178-T-C. GRCh37 (hg19) VCF-style: chr8-48697739-T-C.
Other names: c.11042A>G, p.Lys3681Arg (NM_001081640.2); short protein forms K3681R.
Identifiers: ClinVar variation 1715267 (VCV001715267.5), dbSNP rs2551860895, ClinGen allele CA371131001.

ClinVar aggregate classification (germline): Uncertain significance (1 of 4 stars; one submission).

Conditions:
Severe combined immunodeficiency due to DNA-PKcs deficiency. Also called: IMMUNODEFICIENCY 26 WITH NEUROLOGIC ABNORMALITIES; Immunodeficiency 26 with or without neurologic abnormalities. Identifiers: Orphanet 317425, MedGen C4014833, MONDO:0014423, OMIM 615966.

Submission:

Labcorp Genetics (formerly Invitae), Labcorp
Classification: Uncertain significance for Severe combined immunodeficiency due to DNA-PKcs deficiency. Last evaluated: 2022-08-22. Review status: criteria provided, single submitter. Criteria: Invitae Variant Classification Sherloc (09022015). Collection method: clinical testing. Allele origin: germline.
Comment: In summary, the available evidence is currently insufficient to determine the role of this variant in disease. Therefore, it has been classified as a Variant of Uncertain Significance. Experimental studies and prediction algorithms are not available or were not evaluated, and the functional significance of this variant is currently unknown. This variant has not been reported in the literature in individuals affected with PRKDC-related conditions. This variant is not present in population databases (gnomAD no frequency). This sequence change replaces lysine, which is basic and polar, with arginine, which is basic and polar, at codon 3681 of the PRKDC protein (p.Lys3681Arg).